The following is an entry in ClinVar:

ClinVar aggregate classification (germline): Uncertain significance (1 of 4 stars; one submission).

Submission:

GeneDx
Classification: Uncertain significance. Last evaluated: 2025-06-04. Review status: criteria provided, single submitter. Criteria: GeneDx Variant Classification Process June 2021. Collection method: clinical testing. Allele origin: germline. Affected: yes.
Comment: Not observed at significant frequency in large population cohorts (gnomAD); In silico analysis suggests that this missense variant does not alter protein structure/function; Has not been previously published as pathogenic or benign to our knowledge

NM_022893.4(BCL11A):c.469T>C (p.Tyr157His)

Gene: BCL11A (BCL11 transcription factor A; minus strand). Cytogenetic location: 2p16.1.
Variant type: single nucleotide variant.
Coding change: c.469T>C on transcript NM_022893.4 (MANE Select); coding-DNA position 469, T replaced by C.
Protein change: p.Tyr157His; replaces tyrosine 157 with histidine.
Molecular consequence: missense variant. On other transcripts: intron variant (10), non-coding transcript variant (1).
Genome position (GRCh38, 1-based): chr2:60,468,750, A>G on the plus strand (T>C on the coding strand, the complement: BCL11A is on the minus strand). VCF-style: chr2-60468750-A-G. GRCh37 (hg19) VCF-style: chr2-60695885-A-G.
Other names: c.136T>C, p.Tyr46His (NM_001405720.1, NM_001405721.1); c.313T>C, p.Tyr105His (NM_001405722.1, NM_001405723.1, NM_001405729.1 and 6 more transcripts); c.13T>C, p.Tyr5His (NM_001405725.1, NM_001405726.1, NM_001405727.1 and 2 more transcripts); c.386-6326T>C (NM_001405733.1, NM_001405719.1, NM_001405712.1 and 3 more transcripts); c.230-6326T>C (NM_001405736.1, NM_001405724.1, NM_001405718.1 and 1 more transcripts); c.469T>C, p.Tyr157His (NM_001405730.1, NM_001405732.1, NM_018014.4 and 4 more transcripts); short protein forms Y105H, Y157H, Y46H, Y5H.
Identifiers: ClinVar variation 4536593 (VCV004536593.1).
Genomic context (GRCh38, chr2:60,468,750, plus strand): 5'-TATACACATGGACATTTGTAGAAGAAATAAGGCTCAACTTACAAATACCCTGCGGGGCAT[A>G]TTCTGCACTCATCCCAGGCGTGGGGATTAGAGCTCCATGTGCAGAACGAGGGGAGGAGAG-3'
Protein context (NP_075044.2, residues 147-167): LIPTPGMSAE[Tyr157His]APQGICKDEP